The following is an entry in ClinVar:

ClinVar aggregate classification (germline): Uncertain significance (1 of 4 stars; one submission).

Conditions:
Inborn genetic diseases. Identifiers: MedGen C0950123, MeSH D030342.

Allele frequency attached by ClinVar (database versions not stated): gnomAD exomes below 0.00001; TOPMed below 0.00001; gnomAD 0.00001.
gnomAD v4.1: 3 of 1,614,002 alleles (0.00019%); highest among the groups gnomAD compares: Non-Finnish European, 0.00025%; no homozygotes.

Submission:

Ambry Genetics
Classification: Uncertain significance for Inborn genetic diseases. Last evaluated: 2024-12-10. Review status: criteria provided, single submitter. Criteria: Ambry Variant Classification Scheme 2023. Collection method: clinical testing. Allele origin: germline.
Comment: The p.A1103S variant (also known as c.3307G>T), located in coding exon 33 of the FANCA gene, results from a G to T substitution at nucleotide position 3307. The alanine at codon 1103 is replaced by serine, an amino acid with similar properties. This amino acid position is conserved. In addition, this alteration is predicted to be tolerated by in silico analysis. Based on the available evidence, the clinical significance of this variant remains unclear.

NM_000135.4(FANCA):c.3307G>T (p.Ala1103Ser)

Gene: FANCA (FA complementation group A; minus strand). Cytogenetic location: 16q24.3.
Variant type: single nucleotide variant.
Coding change: c.3307G>T on transcript NM_000135.4 (MANE Select); coding-DNA position 3307, G replaced by T.
Protein change: p.Ala1103Ser; replaces alanine 1103 with serine.
Molecular consequence: missense variant.
Genome position (GRCh38, 1-based): chr16:89,748,700, C>A on the plus strand (G>T on the coding strand, the complement: FANCA is on the minus strand). VCF-style: chr16-89748700-C-A. GRCh37 (hg19) VCF-style: chr16-89815108-C-A.
Other names: c.3307G>T, p.Ala1103Ser (NM_001286167.3); short protein forms A1103S.
Identifiers: ClinVar variation 2496409 (VCV002496409.3), dbSNP rs1454740459, ClinGen allele CA397486274.